The following is an entry in ClinVar:

NM_000136.3(FANCC):c.-35C>T

Gene: FANCC (FA complementation group C; minus strand). Cytogenetic location: 9q22.32.
Variant type: single nucleotide variant.
Coding change: c.-35C>T on transcript NM_000136.3 (MANE Select); 35 bases upstream of the start codon, C replaced by T.
Molecular consequence: 5 prime UTR variant.
Genome position (GRCh38, 1-based): chr9:95,249,326, G>A on the plus strand (C>T on the coding strand, the complement: FANCC is on the minus strand). VCF-style: chr9-95249326-G-A. GRCh37 (hg19) VCF-style: chr9-98011608-G-A.
Other names: c.-35C>T (NM_001243743.2, NM_001243744.2).
Identifiers: ClinVar variation 506990 (VCV000506990.1), dbSNP rs1554858416, ClinGen allele CA658797228.
Genomic context (GRCh38, chr9:95,249,326, plus strand): 5'-GAAAGATCTACTGAATCTTGAGCCATCTTGGAAAAAGCGAAAAGGTGATGTCCCTTCACA[G>A]CAGCCTGTCCAGCACTGAAGGAAATGGTCGGCACACATTAAATCTGTAAGAAAGGGAACA-3'

ClinVar aggregate classification (germline): Likely benign (1 of 4 stars; one submission).

Submission:

GeneDx
Classification: Likely benign. Last evaluated: 2017-01-23. Review status: criteria provided, single submitter. Criteria: GeneDx Variant Classification (06012015). Collection method: clinical testing. Allele origin: germline. Affected: yes.
Comment: This variant is considered likely benign or benign based on one or more of the following criteria: it is a conservative change, it occurs at a poorly conserved position in the protein, it is predicted to be benign by multiple in silico algorithms, and/or has population frequency not consistent with disease.